The following is an entry in ClinVar:

ClinVar aggregate classification (germline): Benign (1 of 4 stars; one submission).

Conditions:
Immunodeficiency 104. Also called: SCID, AUTOSOMAL RECESSIVE, T CELL-NEGATIVE, B CELL-POSITIVE, NK CELL-POSITIVE; Severe Combined Immune Deficiency, Autosomal Recessive, TCell -Negative, B Cell-Positive, NK Cell-Positive, IL7R-Related; Severe combined immunodeficiency, autosomal recessive, T cell-negative, B cell-positive, NK cell-positive; IMMUNODEFICIENCY 104, SEVERE COMBINED. Identifiers: MedGen C5676890, MONDO:0012163, OMIM 608971.

Allele frequency attached by ClinVar (database versions not stated): gnomAD exomes 0.00182; gnomAD 0.00978 and 0.01051; 1000 Genomes Project 0.01098; TOPMed 0.01099; 1000 Genomes Project 30x 0.01187.

Submission:

Illumina Laboratory Services, Illumina
Classification: Benign for Immunodeficiency 104. Last evaluated: 2018-01-13. Review status: criteria provided, single submitter. Criteria: ICSL Variant Classification Criteria 13 December 2019. Collection method: clinical testing. Allele origin: germline.
Comment: This variant was observed in the ICSL laboratory as part of a predisposition screen in an ostensibly healthy population. It had not been previously curated by ICSL or reported in the Human Gene Mutation Database (HGMD: prior to June 1st, 2018), and was therefore a candidate for classification through an automated scoring system. Utilizing variant allele frequency, disease prevalence and penetrance estimates, and inheritance mode, an automated score was calculated to assess if this variant is too frequent to cause the disease. Based on the score and internal cut-off values, a variant classified as benign is not then subjected to further curation. The score for this variant resulted in a classification of benign for this disease.

NM_002185.5(IL7R):c.*508A>G

Gene: IL7R (interleukin 7 receptor; plus strand). Cytogenetic location: 5p13.2.
Variant type: single nucleotide variant.
Coding change: c.*508A>G on transcript NM_002185.5 (MANE Select); 508 bases downstream of the stop codon, A replaced by G.
Molecular consequence: 3 prime UTR variant. On other transcripts: non-coding transcript variant (1).
Genome position (GRCh38, 1-based): chr5:35,876,994, A>G. VCF-style: chr5-35876994-A-G. GRCh37 (hg19) VCF-style: chr5-35877096-A-G.
Identifiers: ClinVar variation 353274 (VCV000353274.5), dbSNP rs74625608, ClinGen allele CA10624380.